The following is an entry in ClinVar:

NM_000463.3(UGT1A1):c.996+24C>G

Genes: UGT1A (UDP glucuronosyltransferase family 1 member A complex locus; plus strand), UGT1A1 (UDP glucuronosyltransferase family 1 member A1; plus strand), UGT1A10 (UDP glucuronosyltransferase family 1 member A10; plus strand), UGT1A3 (UDP glucuronosyltransferase family 1 member A3; plus strand), UGT1A4 (UDP glucuronosyltransferase family 1 member A4; plus strand) and 5 more. Cytogenetic location: 2q37.1.
Variant type: single nucleotide variant.
Coding change: c.996+24C>G on transcript NM_000463.3 (MANE Select); 24 bases into the intron after coding-DNA position 996, C replaced by G.
Molecular consequence: intron variant.
Genome position (GRCh38, 1-based): chr2:233,767,189, C>G. VCF-style: chr2-233767189-C-G. GRCh37 (hg19) VCF-style: chr2-234675835-C-G.
Other names: c.987+24C>G (NM_019076.5, NM_019075.4, NM_021027.3 and 1 more transcripts); c.192+24C>G (NM_205862.3); c.993+24C>G (NM_001072.4); c.999+24C>G (NM_019078.2, NM_007120.3, NM_019093.4).
Identifiers: ClinVar variation 3349302 (VCV003349302.1).
Genomic context (GRCh38, chr2:233,767,189, plus strand): 5'-GGCAATTGCTGATGCTTTGGGCAAAATCCCTCAGACAGTAAGAAGATTCTATACCATGGC[C>G]TCATATCTATTTTCACAGGAGCGCTAATCCCAGACTTCCAGCTTCCAGATTAATTCTCTT-3'

ClinVar aggregate classification (germline): Likely benign (0 of 4 stars; one submission).

Conditions:
UGT1A1-related disorder. Also called: UGT1A1-related disorders; UGT1A1-related condition.

Submission:

PreventionGenetics, part of Exact Sciences
Classification: Likely benign for UGT1A1-related condition. Last evaluated: 2024-03-23. Review status: no assertion criteria provided. Collection method: clinical testing. Allele origin: germline.
Comment: This variant is classified as likely benign based on ACMG/AMP sequence variant interpretation guidelines (Richards et al. 2015 PMID: 25741868, with internal and published modifications).